The following is an entry in ClinVar:

ClinVar aggregate classification (germline): Likely benign. Review status: criteria provided, single submitter (1 of 4 stars). 2 submissions from 2 submitters: Likely benign (1). 1 of the submissions does not count toward it. Last evaluated 2022-11-20.

Conditions:
NLRP12-related disorder. Also called: NLRP12-related conditions; NLRP12-related condition.
Familial cold autoinflammatory syndrome 2 (FCAS2). Identifiers: Orphanet 247868, MedGen C2673198, MONDO:0012724, OMIM 611762.

Allele frequency attached by ClinVar (database versions not stated): gnomAD 0.00001.

Submissions (2):

Labcorp Genetics (formerly Invitae), Labcorp
Classification: Likely benign for Familial cold autoinflammatory syndrome 2. Last evaluated: 2022-11-20. Review status: criteria provided, single submitter. Criteria: Invitae Variant Classification Sherloc (09022015). Collection method: clinical testing. Allele origin: germline.

PreventionGenetics, part of Exact Sciences
Classification: Likely benign for NLRP12-related condition. Last evaluated: 2020-06-08. Review status: no assertion criteria provided. Collection method: clinical testing. Allele origin: germline. Not counted in ClinVar's aggregate classification.
Comment: This variant is classified as likely benign based on ACMG/AMP sequence variant interpretation guidelines (Richards et al. 2015 PMID: 25741868, with internal and published modifications).

NM_144687.4(NLRP12):c.2532G>A (p.Leu844=)

Gene: NLRP12 (NLR family pyrin domain containing 12; minus strand). Cytogenetic location: 19q13.42.
Variant type: single nucleotide variant.
Coding change: c.2532G>A on transcript NM_144687.4 (MANE Select); coding-DNA position 2532, G replaced by A.
Protein change: p.Leu844=; no amino-acid change (leucine 844 retained).
Molecular consequence: synonymous variant.
Genome position (GRCh38, 1-based): chr19:53,804,005, C>T on the plus strand (G>A on the coding strand, the complement: NLRP12 is on the minus strand). VCF-style: chr19-53804005-C-T. GRCh37 (hg19) VCF-style: chr19-54307259-C-T.
Other names: c.2535G>A, p.Leu845= (NM_001277126.2); c.2532G>A, p.Leu844= (NM_001277129.1); c.2532G>A (NM_144687.3).
Identifiers: ClinVar variation 1898372 (VCV001898372.7), dbSNP rs150562829, ClinGen allele CA9639050.
Genomic context (GRCh38, chr19:53,804,005, plus strand): 5'-AACTCACCACAAAGTCCGTAGTCTGCAGACTGGGTGCCTCAGTCCCTGGCATAGTAACCT[C>T]AGGCCCAAATCCTCCAGTGCATTTCCTGTCAGGTCCAACTCAACCAGATGTGGGTTGGTG-3'
Protein context (NP_653288.1, residues 834-854): LTGNALEDLG[Leu844=]RLLCQGLRHP